The following is an entry in ClinVar:

ClinVar aggregate classification (germline): Uncertain significance (1 of 4 stars; one submission).

Conditions:
MEGF8-related Carpenter syndrome. Also called: Carpenter syndrome 2. Identifiers: Orphanet 65759, MedGen C3554247, MONDO:0013998, OMIM 614976.

Allele frequency attached by ClinVar (database versions not stated): gnomAD exomes 0.00001.
gnomAD v4.1: 6 of 1,552,364 alleles (0.00039%); highest among the groups gnomAD compares: Non-Finnish European, 0.00052%; no homozygotes.

Submission:

Labcorp Genetics (formerly Invitae), Labcorp
Classification: Uncertain significance for MEGF8-related Carpenter syndrome. Last evaluated: 2021-09-01. Review status: criteria provided, single submitter. Criteria: Invitae Variant Classification Sherloc (09022015). Collection method: clinical testing. Allele origin: germline.
Comment: In summary, the available evidence is currently insufficient to determine the role of this variant in disease. Therefore, it has been classified as a Variant of Uncertain Significance. Algorithms developed to predict the effect of missense changes on protein structure and function (SIFT, PolyPhen-2, Align-GVGD) all suggest that this variant is likely to be tolerated. This variant has not been reported in the literature in individuals affected with MEGF8-related conditions. This variant is not present in population databases (ExAC no frequency). This sequence change replaces arginine with serine at codon 1091 of the MEGF8 protein (p.Arg1091Ser). The arginine residue is moderately conserved and there is a moderate physicochemical difference between arginine and serine.

NM_001271938.2(MEGF8):c.3472C>A (p.Arg1158Ser)

Gene: MEGF8 (multiple EGF like domains 8; plus strand). Cytogenetic location: 19q13.2.
Variant type: single nucleotide variant.
Coding change: c.3472C>A on transcript NM_001271938.2 (MANE Select); coding-DNA position 3472, C replaced by A.
Protein change: p.Arg1158Ser; replaces arginine 1158 with serine.
Molecular consequence: missense variant.
Genome position (GRCh38, 1-based): chr19:42,353,049, C>A. VCF-style: chr19-42353049-C-A. GRCh37 (hg19) VCF-style: chr19-42857201-C-A.
Other names: c.3271C>A, p.Arg1091Ser (NM_001410.3); short protein forms R1091S, R1158S.
Identifiers: ClinVar variation 1379131 (VCV001379131.6), dbSNP rs977777127, ClinGen allele CA406106432.
Genomic context (GRCh38, chr19:42,353,049, plus strand): 5'-GACCTAGGCTGGACATCAGACCTGCCCCCTCCCACACCCGCCCCGGGTCCGCCAGCCCCC[C>A]GCTGCTCCCGGGACTGTGGCTGCAGCTTCCACAGCCACTGCCGCAAGCGGGGCCCTGGCT-3'
Protein context (NP_001258867.1, residues 1148-1168): PTPAPGPPAP[Arg1158Ser]CSRDCGCSFH